The following is an entry in ClinVar:

NM_024529.5(CDC73):c.229C>T (p.Arg77Cys)

Gene: CDC73 (cell division cycle 73; plus strand). Cytogenetic location: 1q31.2.
Variant type: single nucleotide variant.
Coding change: c.229C>T on transcript NM_024529.5 (MANE Select); coding-DNA position 229, C replaced by T.
Protein change: p.Arg77Cys; replaces arginine 77 with cysteine.
Molecular consequence: missense variant.
Genome position (GRCh38, 1-based): chr1:193,125,209, C>T. VCF-style: chr1-193125209-C-T. GRCh37 (hg19) VCF-style: chr1-193094339-C-T.
Other names: short protein forms R77C.
Identifiers: ClinVar variation 2771161 (VCV002771161.3), dbSNP rs2103114041, ClinGen allele CA343973243.

ClinVar aggregate classification (germline): Uncertain significance (1 of 4 stars; one submission).

Conditions:
Parathyroid carcinoma (PRTC). Also called: CDC73-Related Parathyroid Carcinoma; Parathyroid gland carcinoma. Identifiers: Orphanet 143, MedGen C0687150, MONDO:0012004, OMIM 608266, HP:0006780.

Submission:

Labcorp Genetics (formerly Invitae), Labcorp
Classification: Uncertain significance for Parathyroid carcinoma. Last evaluated: 2023-10-23. Review status: criteria provided, single submitter. Criteria: Invitae Variant Classification Sherloc (09022015). Collection method: clinical testing. Allele origin: germline.
Comment: This sequence change replaces arginine, which is basic and polar, with cysteine, which is neutral and slightly polar, at codon 77 of the CDC73 protein (p.Arg77Cys). This variant is not present in population databases (gnomAD no frequency). This variant has not been reported in the literature in individuals affected with CDC73-related conditions. Advanced modeling of protein sequence and biophysical properties (such as structural, functional, and spatial information, amino acid conservation, physicochemical variation, residue mobility, and thermodynamic stability) performed at Invitae indicates that this missense variant is not expected to disrupt CDC73 protein function. In summary, the available evidence is currently insufficient to determine the role of this variant in disease. Therefore, it has been classified as a Variant of Uncertain Significance.